The following is an entry in ClinVar:

ClinVar aggregate classification (germline): Uncertain significance (1 of 4 stars; one submission).

Conditions:
Holoprosencephaly 11 (HPE11). Identifiers: Orphanet 2162, MedGen C3280215, MONDO:0013642, OMIM 614226.

Submission:

Labcorp Genetics (formerly Invitae), Labcorp
Classification: Uncertain significance for Holoprosencephaly 11. Last evaluated: 2025-07-27. Review status: criteria provided, single submitter. Criteria: Invitae Variant Classification Sherloc (09022015). Collection method: clinical testing. Allele origin: germline.
Comment: This sequence change replaces alanine, which is neutral and non-polar, with threonine, which is neutral and polar, at codon 745 of the CDON protein (p.Ala745Thr). This variant is not present in population databases (gnomAD no frequency). This variant has not been reported in the literature in individuals affected with CDON-related conditions. Invitae Evidence Modeling of protein sequence and biophysical properties (such as structural, functional, and spatial information, amino acid conservation, physicochemical variation, residue mobility, and thermodynamic stability) indicates that this missense variant is not expected to disrupt CDON protein function with a negative predictive value of 80%. In summary, the available evidence is currently insufficient to determine the role of this variant in disease. Therefore, it has been classified as a Variant of Uncertain Significance.

NM_001378964.1(CDON):c.2233G>A (p.Ala745Thr)

Gene: CDON (cell adhesion associated, oncogene regulated; minus strand). Cytogenetic location: 11q24.2.
Variant type: single nucleotide variant.
Coding change: c.2233G>A on transcript NM_001378964.1 (MANE Select); coding-DNA position 2233, G replaced by A.
Protein change: p.Ala745Thr; replaces alanine 745 with threonine.
Molecular consequence: missense variant.
Genome position (GRCh38, 1-based): chr11:125,997,336, C>T on the plus strand (G>A on the coding strand, the complement: CDON is on the minus strand). VCF-style: chr11-125997336-C-T. GRCh37 (hg19) VCF-style: chr11-125867231-C-T.
Other names: c.2233G>A, p.Ala745Thr (NM_001243597.3, NM_001441161.1, NM_001441162.1 and 5 more transcripts); short protein forms A745T.
Identifiers: ClinVar variation 4772128 (VCV004772128.1).
Genomic context (GRCh38, chr11:125,997,336, plus strand): 5'-TGCTGGTCCTCATCCGTTTATATTCGACTTTGAAGGCAGTGATTGGAGAACCCCCGTTTG[C>T]CCGAGGAATCCAAGTGACATAGACTGATGTCTCTGATGCAGTGGAGATGGTAGGCCGATC-3'
Protein context (NP_001365893.1, residues 735-755): TSVYVTWIPR[Ala745Thr]NGGSPITAFK